The following is an entry in ClinVar:

ClinVar aggregate classification (germline): Uncertain significance (1 of 4 stars; one submission).

Conditions:
Leukocyte adhesion deficiency 1 (LAD1). Also called: LEUKOCYTE ADHESION DEFICIENCY, TYPE I; LAD 1; Lymphocyte function-associated antigen 1 immunodeficiency; LFA 1 immunodeficiency. Identifiers: Orphanet 2968, Orphanet 99842, MedGen C0398738, MONDO:0007293, OMIM 116920.

Submission:

Labcorp Genetics (formerly Invitae), Labcorp
Classification: Uncertain significance for Leukocyte adhesion deficiency 1. Last evaluated: 2025-04-21. Review status: criteria provided, single submitter. Criteria: Invitae Variant Classification Sherloc (09022015). Collection method: clinical testing. Allele origin: germline.
Comment: This sequence change replaces isoleucine, which is neutral and non-polar, with valine, which is neutral and non-polar, at codon 715 of the ITGB2 protein (p.Ile715Val). This variant is not present in population databases (gnomAD no frequency). This variant has not been reported in the literature in individuals affected with ITGB2-related conditions. Invitae Evidence Modeling of protein sequence and biophysical properties (such as structural, functional, and spatial information, amino acid conservation, physicochemical variation, residue mobility, and thermodynamic stability) indicates that this missense variant is not expected to disrupt ITGB2 protein function with a negative predictive value of 80%. In summary, the available evidence is currently insufficient to determine the role of this variant in disease. Therefore, it has been classified as a Variant of Uncertain Significance.

NM_000211.5(ITGB2):c.2143A>G (p.Ile715Val)

Gene: ITGB2 (integrin subunit beta 2; minus strand). Cytogenetic location: 21q22.3.
Variant type: single nucleotide variant.
Coding change: c.2143A>G on transcript NM_000211.5 (MANE Select); coding-DNA position 2143, A replaced by G.
Protein change: p.Ile715Val; replaces isoleucine 715 with valine.
Molecular consequence: missense variant.
Genome position (GRCh38, 1-based): chr21:44,886,840, T>C on the plus strand (A>G on the coding strand, the complement: ITGB2 is on the minus strand). VCF-style: chr21-44886840-T-C. GRCh37 (hg19) VCF-style: chr21-46306755-T-C.
Other names: c.2143A>G, p.Ile715Val (NM_001127491.3); c.1936A>G, p.Ile646Val (NM_001303238.2); short protein forms I646V, I715V.
Identifiers: ClinVar variation 4772403 (VCV004772403.1).